The following is an entry in ClinVar:

ClinVar aggregate classification (germline): Uncertain significance. Review status: criteria provided, multiple submitters, no conflicts (2 of 4 stars). 2 submissions from 2 submitters: Uncertain significance (2). Last evaluated 2025-12-11.

Conditions:
Inborn genetic diseases. Identifiers: MedGen C0950123, MeSH D030342.

gnomAD v4.1: 2 of 1,613,386 alleles (0.00012%); highest among the groups gnomAD compares: East Asian, 0.0022%; no homozygotes.

Submissions (2):

Ambry Genetics
Classification: Uncertain significance for Inborn genetic diseases. Last evaluated: 2025-12-11. Review status: criteria provided, single submitter. Criteria: Ambry Variant Classification Scheme 2023. Collection method: clinical testing. Allele origin: germline.

Labcorp Genetics (formerly Invitae), Labcorp
Classification: Uncertain significance. Last evaluated: 2024-10-30. Review status: criteria provided, single submitter. Criteria: Invitae Variant Classification Sherloc (09022015). Collection method: clinical testing. Allele origin: germline.
Comment: This sequence change replaces glycine, which is neutral and non-polar, with alanine, which is neutral and non-polar, at codon 698 of the TCIRG1 protein (p.Gly698Ala). This variant is present in population databases (no rsID available, gnomAD 0.006%). This variant has not been reported in the literature in individuals affected with TCIRG1-related conditions. An algorithm developed to predict the effect of missense changes on protein structure and function (PolyPhen-2) suggests that this variant is likely to be tolerated. In summary, the available evidence is currently insufficient to determine the role of this variant in disease. Therefore, it has been classified as a Variant of Uncertain Significance.

NM_006019.4(TCIRG1):c.2093G>C (p.Gly698Ala)

Gene: TCIRG1 (T cell immune regulator 1, ATPase H+ transporting V0 subunit a3; plus strand). Cytogenetic location: 11q13.2.
Variant type: single nucleotide variant.
Coding change: c.2093G>C on transcript NM_006019.4 (MANE Select); coding-DNA position 2093, G replaced by C.
Protein change: p.Gly698Ala; replaces glycine 698 with alanine.
Molecular consequence: missense variant.
Genome position (GRCh38, 1-based): chr11:68,050,041, G>C. VCF-style: chr11-68050041-G-C. GRCh37 (hg19) VCF-style: chr11-67817508-G-C.
Other names: c.2093G>C (NM_006019.3); c.1199G>C, p.Gly400Ala (NM_001351059.2); c.1445G>C, p.Gly482Ala (NM_006053.4); short protein forms G400A, G482A, G698A.
Identifiers: ClinVar variation 3625917 (VCV003625917.3).